The following is an entry in ClinVar:

ClinVar aggregate classification (germline): Uncertain significance (1 of 4 stars; one submission).

gnomAD v4.1: 2 of 1,611,716 alleles (0.00012%); highest among the groups gnomAD compares: South Asian, 0.0022%; no homozygotes.

Submission:

CeGaT Center for Human Genetics Tuebingen
Classification: Uncertain significance. Last evaluated: 2025-05-01. Review status: criteria provided, single submitter. Criteria: CeGaT Center For Human Genetics Tuebingen Variant Classification Criteria Version 2. Collection method: clinical testing. Allele origin: germline. Affected: yes. Observed: 1 variant allele.
Comment: SLCO1B3: PM2, BP4

NM_019844.4(SLCO1B3):c.1465T>C (p.Cys489Arg)

Genes: SLCO1B3 (solute carrier organic anion transporter family member 1B3; plus strand), SLCO1B3-SLCO1B7 (SLCO1B3-SLCO1B7 readthrough; plus strand). Cytogenetic location: 12p12.2.
Variant type: single nucleotide variant.
Coding change: c.1465T>C on transcript NM_019844.4 (MANE Select); coding-DNA position 1465, T replaced by C.
Protein change: p.Cys489Arg; replaces cysteine 489 with arginine.
Molecular consequence: missense variant.
Genome position (GRCh38, 1-based): chr12:20,880,988, T>C. VCF-style: chr12-20880988-T-C. GRCh37 (hg19) VCF-style: chr12-21033922-T-C.
Other names: c.1465T>C, p.Cys489Arg (NM_001371097.1); c.1381T>C, p.Cys461Arg (NM_001349920.2); short protein forms C461R, C489R.
Identifiers: ClinVar variation 3905729 (VCV003905729.10).